The following is an entry in ClinVar:

NM_001267550.2(TTN):c.79117T>C (p.Leu26373=)

Genes: TTN (titin; minus strand), TTN-AS1 (TTN antisense RNA 1; plus strand). Cytogenetic location: 2q31.2.
Variant type: single nucleotide variant.
Coding change: c.79117T>C on transcript NM_001267550.2 (MANE Select); coding-DNA position 79117, T replaced by C.
Protein change: p.Leu26373=; no amino-acid change (leucine 26373 retained).
Molecular consequence: synonymous variant.
Genome position (GRCh38, 1-based): chr2:178,567,015, A>G on the plus strand (T>C on the coding strand, the complement: TTN is on the minus strand). VCF-style: chr2-178567015-A-G. GRCh37 (hg19) VCF-style: chr2-179431742-A-G.
Other names: c.74194T>C, p.Leu24732= (NM_001256850.1); c.51922T>C, p.Leu17308= (NM_003319.4); c.71413T>C, p.Leu23805= (NM_133378.4); c.52297T>C, p.Leu17433= (NM_133432.3); c.52498T>C, p.Leu17500= (NM_133437.4).
Identifiers: ClinVar variation 700996 (VCV000700996.14), dbSNP rs749452514, ClinGen allele CA1989520.

ClinVar aggregate classification (germline): Likely benign. Review status: criteria provided, multiple submitters, no conflicts (2 of 4 stars). 3 submissions from 3 submitters: Likely benign (3). Last evaluated 2026-03-11.

Conditions:
TTN-related disorder. Also called: TTN-related condition; TTN-related disease; TTN-related disorders.
Cardiovascular phenotype. Identifiers: MedGen CN230736.
Autosomal recessive limb-girdle muscular dystrophy type 2J (LGMDR10). Also called: Limb-girdle muscular dystrophy, type 2J; MUSCULAR DYSTROPHY, LIMB-GIRDLE, AUTOSOMAL RECESSIVE 10. Identifiers: Orphanet 140922, MedGen C1837342, MONDO:0012127, OMIM 608807.
Dilated cardiomyopathy 1G (CMD1G). Identifiers: Orphanet 154, MedGen C1858763, MONDO:0011400, OMIM 604145.

Allele frequency attached by ClinVar (database versions not stated): ExAC 0.00001; gnomAD exomes 0.00001; gnomAD 0.00003; TOPMed 0.00007.
gnomAD v4.1: 8 of 1,613,492 alleles (0.0005%); highest among the groups gnomAD compares: African/African-American, 0.011%; no homozygotes.

Submissions (3):

PreventionGenetics, part of Exact Sciences
Classification: Likely benign for TTN-related condition. Last evaluated: 2026-03-11. Review status: criteria provided, single submitter. Criteria: ACMG Guidelines, 2015. Collection method: clinical testing. Allele origin: germline.
Comment: This variant is classified as likely benign based on ACMG/AMP sequence variant interpretation guidelines (Richards et al. 2015 PMID: 25741868, with internal and published modifications).

Labcorp Genetics (formerly Invitae), Labcorp
Classification: Likely benign for Dilated cardiomyopathy 1G; Autosomal recessive limb-girdle muscular dystrophy type 2J. Last evaluated: 2025-06-24. Review status: criteria provided, single submitter. Criteria: Invitae Variant Classification Sherloc (09022015). Collection method: clinical testing. Allele origin: germline.

Ambry Genetics
Classification: Likely benign for Cardiovascular phenotype. Last evaluated: 2020-01-13. Review status: criteria provided, single submitter. Criteria: Ambry Variant Classification Scheme 2023. Collection method: clinical testing. Allele origin: germline.